The following continues an entry in ClinVar:

NM_000059.4(BRCA2):c.517-2A>G

Gene: BRCA2. ClinVar aggregate classification (germline): Pathogenic. Pathogenic (1).

Submissions 21 to 25 of 25:

King Laboratory, University of Washington
Classification: Pathogenic for Hereditary breast and ovarian cancer syndrome; Breast-ovarian cancer, familial 2. Last evaluated: 2019-09-01. Review status: no assertion criteria provided. Collection method: research. Allele origin: germline. Affected: yes. Not counted in ClinVar's aggregate classification.
Comment: Transcript analysis by cBROCA

Counsyl
Classification: Pathogenic for Breast-ovarian cancer, familial, susceptibility to, 2. Last evaluated: 2017-05-01. Review status: no assertion criteria provided. Collection method: clinical testing. Allele origin: unknown. Not counted in ClinVar's aggregate classification.

Research Molecular Genetics Laboratory, Women's College Hospital, University of Toronto
Classification: Pathogenic for Hereditary breast ovarian cancer syndrome. Last evaluated: 2014-01-31. Review status: no assertion criteria provided. Collection method: research. Allele origin: germline. Affected: yes. Study: The Canadian Open Genetics Repository (COGR). Not counted in ClinVar's aggregate classification.

Sharing Clinical Reports Project (SCRP)
Classification: Likely pathogenic for Breast-ovarian cancer, familial 2. Last evaluated: 2011-01-06. Review status: no assertion criteria provided. Collection method: clinical testing. Allele origin: germline. Not counted in ClinVar's aggregate classification.

Breast Cancer Information Core (BIC) (BRCA2)
Classification: Pathogenic for Breast-ovarian cancer, familial 2. Last evaluated: 2004-02-20. Review status: no assertion criteria provided. Collection method: clinical testing. Allele origin: germline. Affected: yes. Observed: 5 variant alleles. Not counted in ClinVar's aggregate classification.

Literature cited by the submitters: PubMed 31131967 (cited by 3 submitters); PubMed 14647210 (cited by 8 submitters); PubMed 24728189 (cited by 7 submitters); PubMed 26681682 (cited by 6 submitters); PubMed 27836010 (cited by 3 submitters); PubMed 28102861 (cited by Labcorp Genetics (formerly Invitae), Labcorp and Ambry Genetics); PubMed 22505045 (cited by 8 submitters); PubMed 30883759 (cited by 5 submitters); PubMed 27433846 (cited by 4 submitters); PubMed 29176636 (cited by 4 submitters); PubMed 29339979 (cited by 4 submitters); PubMed 30652428 (cited by Ambry Genetics and Quest Diagnostics Nichols Institute San Juan Capistrano); PubMed 32398771 (cited by Ambry Genetics); PubMed 32427313 (cited by Ambry Genetics and Quest Diagnostics Nichols Institute San Juan Capistrano); PubMed 31843900 (cited by 4 submitters); PubMed 24240112 (cited by 3 submitters); PubMed 29446198 (cited by 3 submitters); PubMed 33471991 (cited by 3 submitters); PubMed 30792206 (cited by Color Diagnostics, LLC DBA Color Health); PubMed 21702907 (cited by Women's Health and Genetics/Laboratory Corporation of America, LabCorp); PubMed 22762150 (cited by Women's Health and Genetics/Laboratory Corporation of America, LabCorp); PubMed 22006311 (cited by Women's Health and Genetics/Laboratory Corporation of America, LabCorp and Counsyl).